The following is an entry in ClinVar:

NM_007194.4(CHEK2):c.1374del (p.Ala459fs)

Gene: CHEK2 (checkpoint kinase 2; minus strand). Cytogenetic location: 22q12.1.
Variant type: Deletion.
Coding change: c.1374del on transcript NM_007194.4 (MANE Select); coding-DNA position 1374, one base deleted (A; older notation c.1374delA).
Protein change: p.Ala459fs; shifts the reading frame from alanine 459.
Molecular consequence: frameshift variant.
Genome position (GRCh38, 1-based): chr22:28,695,128, T deleted on the plus strand (A on the coding strand, the reverse complement: CHEK2 is on the minus strand); the first of 3 consecutive T bases (chr22:28,695,128-28,695,130); deleting any one gives the same sequence. VCF-style (leftmost placement, unchanged base first): chr22-28695127-CT-C. GRCh37 (hg19) VCF-style: chr22-29091115-CT-C.
Other names: c.1501delA, p.Ala502Leufs (NM_001005735.3); c.709delA, p.Ala238Leufs (NM_001257387.3); c.1171delA, p.Ala392Leufs (NM_001349956.3); c.1285delA, p.Ala430Leufs (NM_145862.3); short protein forms A238fs, A392fs, A430fs, A459fs, A502fs.
Identifiers: ClinVar variation 2584229 (VCV002584229.2), dbSNP rs2517794777, ClinGen allele CA2582342756.

ClinVar aggregate classification (germline): Pathogenic (1 of 4 stars; one submission).

Conditions:
Familial cancer of breast. Also called: BREAST CANCER, FAMILIAL; hereditary breast carcinoma; Hereditary breast cancer. Identifiers: Orphanet 227535, MedGen C0346153, MONDO:0016419, OMIM 114480. Disease mechanism: loss of function.

Submission:

Myriad Genetics, Inc.
Classification: Pathogenic for Familial cancer of breast. Last evaluated: 2023-06-28. Review status: criteria provided, single submitter. Criteria: Myriad Autosomal Dominant, Autosomal Recessive and X-Linked Classification Criteria (2023). Collection method: clinical testing. Allele origin: unknown.
Comment: This variant is considered pathogenic. This variant creates a frameshift predicted to result in premature protein truncation.